The following is an entry in ClinVar:

NM_001142416.2(AIMP1):c.115C>T (p.Gln39Ter)

Gene: AIMP1 (aminoacyl tRNA synthetase complex interacting multifunctional protein 1; plus strand). Cytogenetic location: 4q24.
Variant type: single nucleotide variant.
Coding change: c.115C>T on transcript NM_001142416.2 (MANE Select); coding-DNA position 115, C replaced by T.
Protein change: p.Gln39Ter; replaces glutamine 39 with a stop codon.
Molecular consequence: nonsense.
Genome position (GRCh38, 1-based): chr4:106,327,456, C>T. VCF-style: chr4-106327456-C-T. GRCh37 (hg19) VCF-style: chr4-107248613-C-T.
Other names: c.115C>T, p.Gln39Ter (NM_001142415.2, NM_004757.4); short protein forms Q39*.
Identifiers: ClinVar variation 162377 (VCV000162377.14), dbSNP rs724159969, ClinGen allele CA175003.
Genomic context (GRCh38, chr4:106,327,456, plus strand): 5'-ATTCATACAAAACCTCTTTTAAAAACATATTTTAACTGGATGTTCTTGATCCTAGTTTTG[C>T]AGGCAACTTTGAGGGAAGAGAAGAAACTTCGAGTTGAAAATGCTAAACTGAAGAAAGAAA-3'

ClinVar aggregate classification (germline): Pathogenic/Likely pathogenic. Review status: criteria provided, multiple submitters, no conflicts (2 of 4 stars). 8 submissions from 8 submitters: Pathogenic (4); Likely pathogenic (2). 2 of the submissions do not count toward it. Last evaluated 2024-10-21.

Conditions:
AIMP1-related disorder. Also called: AIMP1-related condition.
Leukodystrophy, hypomyelinating, 3. Identifiers: Orphanet 280270, Orphanet 280293, MedGen C1850053, MONDO:0009843, OMIM 260600.

Allele frequency attached by ClinVar (database versions not stated): gnomAD exomes below 0.00001; TOPMed below 0.00001; gnomAD 0.00001.

Submissions (8):

Blueprint Genetics
Classification: Pathogenic for AIMP1-related disorders. Last evaluated: 2024-10-21. Review status: criteria provided, single submitter. Criteria: ACMG Guidelines, 2015. Collection method: clinical testing. Allele origin: germline. Affected: yes. Observed: 5 variant alleles.

Labcorp Genetics (formerly Invitae), Labcorp
Classification: Pathogenic. Last evaluated: 2024-10-10. Review status: criteria provided, single submitter. Criteria: Invitae Variant Classification Sherloc (09022015). Collection method: clinical testing. Allele origin: germline.
Comment: This sequence change creates a premature translational stop signal (p.Gln39*) in the AIMP1 gene. It is expected to result in an absent or disrupted protein product. Loss-of-function variants in AIMP1 are known to be pathogenic (PMID: 21092922). This variant is present in population databases (rs724159969, gnomAD 0.06%). This premature translational stop signal has been observed in individual(s) with AIMP1-related conditions (PMID: 24958424, 30828585, 32531460). ClinVar contains an entry for this variant (Variation ID: 162377). For these reasons, this variant has been classified as Pathogenic.

PreventionGenetics, part of Exact Sciences
Classification: Likely pathogenic for AIMP1-related condition. Last evaluated: 2023-01-26. Review status: criteria provided, single submitter. Criteria: ACMG Guidelines, 2015. Collection method: clinical testing. Allele origin: germline.
Comment: The AIMP1 c.115C>T variant is predicted to result in premature protein termination (p.Gln39*). This variant has been reported in the homozygous state in individuals with autosomal recessive infantile-onset progressive neurodegenerative disease (Armstrong et al. 2014. PubMed ID: 24958424; Khan et al. 2019. PubMed ID: 30828585). Nonsense variants in AIMP1 are expected to be pathogenic. This variant is interpreted as likely pathogenic.

Women's Health and Genetics/Laboratory Corporation of America, LabCorp
Classification: Pathogenic for Leukodystrophy, hypomyelinating, 3. Last evaluated: 2022-08-15. Review status: criteria provided, single submitter. Criteria: LabCorp Variant Classification Summary - May 2015. Collection method: clinical testing. Allele origin: germline.
Comment: Variant summary: AIMP1/SCYE1 c.115C>T (p.Gln39X) results in a premature termination codon, predicted to cause a truncation of the encoded protein or absence of the protein due to nonsense mediated decay, which are commonly known mechanisms for disease. Truncations downstream of this position have been classified as pathogenic in the ClinVar database. The variant allele was found at a frequency of 3.2e-05 in 31406 control chromosomes (gnomAD). c.115C>T has been reported in the literature in multiple homozygous individuals of Filipino ancestry affected with Hypomyelinating Leukodystrophy 3 (e.g. Armstrong_2014, Khan_2019, Gupta_2020). These data indicate that the variant is very likely to be associated with disease. To our knowledge, no experimental evidence demonstrating an impact on protein function has been reported. Two clinical diagnostic laboratories have submitted clinical-significance assessments for this variant to ClinVar after 2014. Both laboratories classified the variant as pathogenic (n=1) or likely pathogenic (n=1). Based on the evidence outlined above, the variant was classified as pathogenic.

3billion
Classification: Pathogenic for Leukodystrophy, hypomyelinating, 3. Last evaluated: 2022-05-22. Review status: criteria provided, single submitter. Criteria: ACMG Guidelines, 2015. Collection method: clinical testing. Allele origin: germline. Affected: yes. Observed: 1 homozygote.
Comment: The variant is observed at an extremely low frequency in the gnomAD v2.1.1 dataset (total allele frequency: 0.003%). Stop-gained (nonsense): predicted to result in a loss or disruption of normal protein function through nonsense-mediated decay (NMD) or protein truncation. Multiple pathogenic variants are reported downstream of the variant. The variant has been reported at least twice as pathogenic (ClinVar ID: VCV000162377 / PMID: 24958424 / 3billion dataset). Therefore, this variant is classified as pathogenic according to the recommendation of ACMG/AMP guideline.

Greenwood Genetic Center Diagnostic Laboratories, Greenwood Genetic Center
Classification: Likely pathogenic. Last evaluated: 2021-03-16. Review status: criteria provided, single submitter. Criteria: ACMG Guidelines, 2015. Collection method: clinical testing. Allele origin: germline. Affected: yes.
Comment: PVS1, PM2

OMIM
Classification: Pathogenic for LEUKODYSTROPHY, HYPOMYELINATING, 3. Last evaluated: 2014-08-01. Review status: no assertion criteria provided. Collection method: literature only. Allele origin: germline. Not counted in ClinVar's aggregate classification.

Pediatric Neurology, Rutgers New Jersey Medical School
Classification: Pathogenic for Leukodystrophy, hypomyelinating, 3. Review status: no assertion criteria provided. Collection method: clinical testing. Allele origin: germline. Affected: yes. Not counted in ClinVar's aggregate classification.

Literature cited by the submitters: PubMed 21092922 (cited by Labcorp Genetics (formerly Invitae), Labcorp); PubMed 24958424 (cited by 4 submitters); PubMed 30828585 (cited by Labcorp Genetics (formerly Invitae), Labcorp and Women's Health and Genetics/Laboratory Corporation of America, LabCorp); PubMed 32531460 (cited by Labcorp Genetics (formerly Invitae), Labcorp and Women's Health and Genetics/Laboratory Corporation of America, LabCorp).